The following is an entry in ClinVar:

ClinVar aggregate classification (germline): Uncertain significance (1 of 4 stars; one submission).

Conditions:
Birt-Hogg-Dube syndrome. Also called: Birt Hogg Dubé syndrome. Identifiers: Orphanet 122, MedGen C0346010, MONDO:0800444.

Submission:

Labcorp Genetics (formerly Invitae), Labcorp
Classification: Uncertain significance for Birt-Hogg-Dube syndrome. Last evaluated: 2026-01-09. Review status: criteria provided, single submitter. Criteria: Invitae Variant Classification Sherloc (09022015). Collection method: clinical testing. Allele origin: germline.
Comment: This sequence change replaces leucine, which is neutral and non-polar, with proline, which is neutral and non-polar, at codon 250 of the FLCN protein (p.Leu250Pro). This variant is not present in population databases (gnomAD no frequency). This variant has not been reported in the literature in individuals affected with FLCN-related conditions. ClinVar contains an entry for this variant (Variation ID: 460631). Invitae Evidence Modeling of protein sequence and biophysical properties (such as structural, functional, and spatial information, amino acid conservation, physicochemical variation, residue mobility, and thermodynamic stability) indicates that this missense variant is expected to disrupt FLCN protein function with a positive predictive value of 80%. In summary, the available evidence is currently insufficient to determine the role of this variant in disease. Therefore, it has been classified as a Variant of Uncertain Significance.

NM_144997.7(FLCN):c.749T>C (p.Leu250Pro)

Gene: FLCN (folliculin; minus strand). Cytogenetic location: 17p11.2.
Variant type: single nucleotide variant.
Coding change: c.749T>C on transcript NM_144997.7 (MANE Select); coding-DNA position 749, T replaced by C.
Protein change: p.Leu250Pro; replaces leucine 250 with proline.
Molecular consequence: missense variant.
Genome position (GRCh38, 1-based): chr17:17,222,531, A>G on the plus strand (T>C on the coding strand, the complement: FLCN is on the minus strand). VCF-style: chr17-17222531-A-G. GRCh37 (hg19) VCF-style: chr17-17125845-A-G.
Other names: c.749T>C (LRG_325t1); c.803T>C, p.Leu268Pro (NM_001353229.2); c.749T>C, p.Leu250Pro (NM_001353230.2, NM_001353231.2, NM_144606.7); short protein forms L250P, L268P.
Identifiers: ClinVar variation 460631 (VCV000460631.5), dbSNP rs1555609772, ClinGen allele CA398533877.